The following is an entry in ClinVar:

NM_001042492.3(NF1):c.1697C>T (p.Pro566Leu)

Gene: NF1 (neurofibromin 1; plus strand). Cytogenetic location: 17q11.2.
Variant type: single nucleotide variant.
Coding change: c.1697C>T on transcript NM_001042492.3 (MANE Select); coding-DNA position 1697, C replaced by T.
Protein change: p.Pro566Leu; replaces proline 566 with leucine.
Molecular consequence: missense variant.
Genome position (GRCh38, 1-based): chr17:31,221,905, C>T. VCF-style: chr17-31221905-C-T. GRCh37 (hg19) VCF-style: chr17-29548923-C-T.
Other names: c.1697C>T, p.Pro566Leu (NM_000267.4, NM_001128147.3); short protein forms P566L.
Identifiers: ClinVar variation 2764533 (VCV002764533.3), dbSNP rs2144004604, ClinGen allele CA399002332.
Genomic context (GRCh38, chr17:31,221,905, plus strand): 5'-TTCAGGCTCTGCTGGTTCTTCATCAGTTAGATAGCATTGATTTGTGGAATCCTGATGCTC[C>T]TGTAGAAACATTTTGGGAGATTAGGTATATGTACTTTTATTTTTTAAATTCAACTTTTAA-3'
Protein context (NP_001035957.1, residues 556-576): DSIDLWNPDA[Pro566Leu]VETFWEISSQ

ClinVar aggregate classification (germline): Uncertain significance (1 of 4 stars; one submission).

Conditions:
Neurofibromatosis, type 1 (NF1). Also called: VON RECKLINGHAUSEN DISEASE; Neurofibromatosis, type I; NEUROFIBROMATOSIS, TYPE I, SOMATIC; Peripheral type neurofibromatosis. Identifiers: Orphanet 636, MedGen C0027831, MONDO:0018975, OMIM 162200. Disease mechanism: loss of function.

Allele frequency attached by ClinVar (database versions not stated): gnomAD exomes below 0.00001.
gnomAD v4.1: 1 of 1,606,560 alleles (0.000062%); highest among the groups gnomAD compares: Non-Finnish European, 0.000085%; no homozygotes.

Submission:

Labcorp Genetics (formerly Invitae), Labcorp
Classification: Uncertain significance for Neurofibromatosis, type 1. Last evaluated: 2023-09-30. Review status: criteria provided, single submitter. Criteria: Invitae Variant Classification Sherloc (09022015). Collection method: clinical testing. Allele origin: germline.
Comment: This sequence change replaces proline, which is neutral and non-polar, with leucine, which is neutral and non-polar, at codon 566 of the NF1 protein (p.Pro566Leu). This variant is not present in population databases (gnomAD no frequency). This variant has not been reported in the literature in individuals affected with NF1-related conditions. Advanced modeling of protein sequence and biophysical properties (such as structural, functional, and spatial information, amino acid conservation, physicochemical variation, residue mobility, and thermodynamic stability) performed at Invitae indicates that this missense variant is expected to disrupt NF1 protein function. In summary, the available evidence is currently insufficient to determine the role of this variant in disease. Therefore, it has been classified as a Variant of Uncertain Significance.